The following is an entry in ClinVar:

NM_022051.3(EGLN1):c.1192C>T (p.Arg398Ter)

Gene: EGLN1 (egl-9 family hypoxia inducible factor 1; minus strand). Cytogenetic location: 1q42.2.
Variant type: single nucleotide variant.
Coding change: c.1192C>T on transcript NM_022051.3 (MANE Select); coding-DNA position 1192, C replaced by T.
Protein change: p.Arg398Ter; replaces arginine 398 with a stop codon.
Molecular consequence: nonsense. On other transcripts: 3 prime UTR variant (1), intron variant (1).
Genome position (GRCh38, 1-based): chr1:231,367,593, G>A on the plus strand (C>T on the coding strand, the complement: EGLN1 is on the minus strand). VCF-style: chr1-231367593-G-A. GRCh37 (hg19) VCF-style: chr1-231503339-G-A.
Other names: c.*17C>T (NM_001377261.1); c.1149-1118C>T (NM_001377260.1); short protein forms R398*.
Identifiers: ClinVar variation 1745260 (VCV001745260.5), dbSNP rs1301849220, ClinGen allele CA345239538.
Genomic context (GRCh38, chr1:231,367,593, plus strand): 5'-CTGTACCAATATATCCTGGCCCCAAATGACGTTTACCTGTTAGATATTTTACTTTAGCTC[G>A]TGCTCTCTCATCTGCATCAAAATACCAAACAGTTATTGCGTACCTAAAAGAAAATTTAGA-3'

ClinVar aggregate classification (germline): Conflicting classifications of pathogenicity. Review status: criteria provided, conflicting classifications (1 of 4 stars). 2 submissions from 2 submitters: Likely pathogenic (1); Uncertain significance (1). Last evaluated 2025-01-22.

Conditions:
Erythrocytosis, familial, 3 (ECYT3). Identifiers: Orphanet 247511, MedGen C1853286, MONDO:0012353, OMIM 609820.

Allele frequency attached by ClinVar (database versions not stated): gnomAD exomes below 0.00001.
gnomAD v4.1: 3 of 1,613,916 alleles (0.00019%); highest among the groups gnomAD compares: Non-Finnish European, 0.00017%; no homozygotes.

Submissions (2):

Labcorp Genetics (formerly Invitae), Labcorp
Classification: Likely pathogenic for Erythrocytosis, familial, 3. Last evaluated: 2025-01-22. Review status: criteria provided, single submitter. Criteria: Invitae Variant Classification Sherloc (09022015). Collection method: clinical testing. Allele origin: germline.
Comment: This sequence change creates a premature translational stop signal (p.Arg398*) in the EGLN1 gene. While this is not anticipated to result in nonsense mediated decay, it is expected to disrupt the last 29 amino acid(s) of the EGLN1 protein. This variant is present in population databases (no rsID available, gnomAD 0.004%). This premature translational stop signal has been observed in individual(s) with clinical features of familial erythrocytosis (PMID: 21933857, 29790589; internal data). It has also been observed to segregate with disease in related individuals. ClinVar contains an entry for this variant (Variation ID: 1745260). Algorithms developed to predict the effect of variants on gene product structure and function are not available or were not evaluated for this variant. Experimental studies have shown that this premature translational stop signal affects EGLN1 function (PMID: 21933857). Algorithms developed to predict the effect of sequence changes on RNA splicing suggest that this variant may disrupt the consensus splice site. In summary, the currently available evidence indicates that the variant is pathogenic, but additional data are needed to prove that conclusively. Therefore, this variant has been classified as Likely Pathogenic.

Ambry Genetics
Classification: Uncertain significance. Last evaluated: 2020-01-21. Review status: criteria provided, single submitter. Criteria: Ambry Variant Classification Scheme 2023. Collection method: clinical testing. Allele origin: germline.
Comment: The p.R398* variant (also known as c.1192C>T), located in coding exon 4 of the EGLN1 gene, results from a C to T substitution at nucleotide position 1192. This changes the amino acid from an arginine to a stop codon within coding exon 4. In a functional study, this variant did not affect the stability of the HIF-2&alpha; protein in a one-hybrid reporter assay (Ladroue C et al. Haematologica, 2012 Jan;97:9-14). This variant was also identified in a cohort of 1192 cases being evaluated for hereditary erythrocytosis (Oliveira JL et al. Am. J. Hematol., 2018 May). Premature stop codons are typically deleterious in nature; however, this stop codon occurs at the 3' terminus of EGLN1, is not expected to trigger nonsense-mediated mRNA decay, and removes only the last 28 amino acids of the protein. The exact functional impact of these removed amino acids is unknown at this time. Since supporting evidence is limited at this time, the clinical significance of this alteration remains unclear.

Literature cited by the submitters: PubMed 21933857 (cited by Labcorp Genetics (formerly Invitae), Labcorp and Ambry Genetics); PubMed 29790589 (cited by Labcorp Genetics (formerly Invitae), Labcorp and Ambry Genetics).